The following is an entry in ClinVar:

NM_000432.4(MYL2):c.262G>A (p.Glu88Lys)

Gene: MYL2 (myosin light chain 2; minus strand). Cytogenetic location: 12q24.11.
Variant type: single nucleotide variant.
Coding change: c.262G>A on transcript NM_000432.4 (MANE Select); coding-DNA position 262, G replaced by A.
Protein change: p.Glu88Lys; replaces glutamic acid 88 with lysine.
Molecular consequence: missense variant.
Genome position (GRCh38, 1-based): chr12:110,914,198, C>T on the plus strand (G>A on the coding strand, the complement: MYL2 is on the minus strand). VCF-style: chr12-110914198-C-T. GRCh37 (hg19) VCF-style: chr12-111352002-C-T.
Other names: short protein forms E88K.
Identifiers: ClinVar variation 222735 (VCV000222735.11), dbSNP rs869025484, ClinGen allele CA352041.

ClinVar aggregate classification (germline): Uncertain significance (1 of 4 stars; one submission).

Conditions:
Hypertrophic cardiomyopathy 10. Also called: CARDIOMYOPATHY, HYPERTROPHIC, MID-LEFT VENTRICULAR CHAMBER TYPE, 2; MYL2-Related Familial Hypertrophic Cardiomyopathy. Identifiers: MedGen C1834460, MONDO:0012112, OMIM 608758.

Submission:

Labcorp Genetics (formerly Invitae), Labcorp
Classification: Uncertain significance for Hypertrophic cardiomyopathy 10. Last evaluated: 2024-03-04. Review status: criteria provided, single submitter. Criteria: Invitae Variant Classification Sherloc (09022015). Collection method: clinical testing. Allele origin: germline.
Comment: This sequence change replaces glutamic acid, which is acidic and polar, with lysine, which is basic and polar, at codon 88 of the MYL2 protein (p.Glu88Lys). This variant is not present in population databases (gnomAD no frequency). This missense change has been observed in individual(s) with left ventricular noncompaction (PMID: 28855170, 32183154, 32600061). ClinVar contains an entry for this variant (Variation ID: 222735). An algorithm developed to predict the effect of missense changes on protein structure and function (PolyPhen-2) suggests that this variant is likely to be disruptive. In summary, the available evidence is currently insufficient to determine the role of this variant in disease. Therefore, it has been classified as a Variant of Uncertain Significance.

Literature cited by the submitters: PubMed 28855170; PubMed 32183154; PubMed 32600061.